The following is an entry in ClinVar:

ClinVar aggregate classification (germline): Uncertain significance (1 of 4 stars; one submission).

Conditions:
MBD1-related disorder. Also called: MBD1-related condition.

Submission:

PreventionGenetics, part of Exact Sciences
Classification: Uncertain significance for MBD1-related condition. Last evaluated: 2022-12-06. Review status: criteria provided, single submitter. Criteria: ACMG Guidelines, 2015. Collection method: clinical testing. Allele origin: germline.
Comment: The MBD1 c.1019A>C variant is predicted to result in the amino acid substitution p.Glu340Ala. To our knowledge, this variant has not been reported in the literature or in a large population database, indicating this variant is rare. At this time, the clinical significance of this variant is uncertain due to the absence of conclusive functional and genetic evidence.

NM_015846.4(MBD1):c.944A>C (p.Glu315Ala)

Gene: MBD1 (methyl-CpG binding domain protein 1; minus strand). Cytogenetic location: 18q21.1.
Variant type: single nucleotide variant.
Coding change: c.944A>C on transcript NM_015846.4 (MANE Select); coding-DNA position 944, A replaced by C.
Protein change: p.Glu315Ala; replaces glutamic acid 315 with alanine.
Molecular consequence: missense variant. On other transcripts: intron variant (35).
Genome position (GRCh38, 1-based): chr18:50,275,011, T>G on the plus strand (A>C on the coding strand, the complement: MBD1 is on the minus strand). VCF-style: chr18-50275011-T-G. GRCh37 (hg19) VCF-style: chr18-47801381-T-G.
Other names: c.944A>C, p.Glu315Ala (NM_001204136.2, NM_001204139.2, NM_001204142.2 and 53 more transcripts); c.1019A>C, p.Glu340Ala (NM_001204137.2, NM_001204138.2, NM_001204140.2 and 28 more transcripts); c.797A>C, p.Glu266Ala (NM_001204141.2, NM_001399938.1, NM_001399944.1 and 1 more transcripts); c.512A>C, p.Glu171Ala (NM_001323949.2, NM_001399959.1, NM_001399965.1); c.869A>C, p.Glu290Ala (NM_001323952.2, NM_001399887.1, NM_001399909.1 and 2 more transcripts); c.1097A>C, p.Glu366Ala (NM_001399880.1); c.872A>C, p.Glu291Ala (NM_001399917.1, NM_001399929.1); c.437A>C, p.Glu146Ala (NM_001399962.1, NM_001399966.1, NM_001399967.1 and 6 more transcripts); and 6 more; short protein forms E146A, E171A, E266A, E290A, E291A, E315A, E340A, E366A.
Identifiers: ClinVar variation 2635503 (VCV002635503.1), dbSNP rs2513893306, ClinGen allele CA402451251.
Genomic context (GRCh38, chr18:50,275,011, plus strand): 5'-TATCCAGGTAGGGTGGGGCCACTCACTAGCTCGTCCTCGTCTACACAGTAATAGATGAAC[T>G]CGGCAGGTGGCGAGGGGGCCAGGGCTCTGGGGTGCTGTAGAGGCAAATGGGGTGGGGTCA-3'
Protein context (NP_056671.2, residues 305-325): PRALAPSPPA[Glu315Ala]FIYYCVDEDE